The following is an entry in ClinVar:

ClinVar aggregate classification (germline): Uncertain significance (1 of 4 stars; one submission).

Conditions:
Pyridoxine-dependent epilepsy (EPEO4). Also called: Pyridoxine-Dependent Epilepsy - ALDH7A1; PYRIDOXINE DEPENDENCY WITH SEIZURES; EPILEPSY, EARLY-ONSET, 4, VITAMIN B6-DEPENDENT; Pyridoxine-Dependent Seizures. Identifiers: Orphanet 3006, MedGen C1849508, MONDO:0009945, OMIM 266100. Disease mechanism: loss of function.

Allele frequency attached by ClinVar (database versions not stated): gnomAD exomes below 0.00001.
gnomAD v4.1: 4 of 1,614,064 alleles (0.00025%); highest among the groups gnomAD compares: Non-Finnish European, 0.00025%; no homozygotes.

Submission:

Labcorp Genetics (formerly Invitae), Labcorp
Classification: Uncertain significance for Pyridoxine-dependent epilepsy. Last evaluated: 2021-08-14. Review status: criteria provided, single submitter. Criteria: Invitae Variant Classification Sherloc (09022015). Collection method: clinical testing. Allele origin: germline.
Comment: This sequence change replaces leucine with phenylalanine at codon 417 of the ALDH7A1 protein (p.Leu417Phe). The leucine residue is highly conserved and there is a small physicochemical difference between leucine and phenylalanine. This variant is not present in population databases (ExAC no frequency). This variant has not been reported in the literature in individuals affected with ALDH7A1-related conditions. Advanced modeling of protein sequence and biophysical properties (such as structural, functional, and spatial information, amino acid conservation, physicochemical variation, residue mobility, and thermodynamic stability) performed at Invitae indicates that this missense variant is expected to disrupt ALDH7A1 protein function. In summary, the available evidence is currently insufficient to determine the role of this variant in disease. Therefore, it has been classified as a Variant of Uncertain Significance.

NM_001182.5(ALDH7A1):c.1249C>T (p.Leu417Phe)

Gene: ALDH7A1 (aldehyde dehydrogenase 7 family member A1; minus strand). Cytogenetic location: 5q23.2.
Variant type: single nucleotide variant.
Coding change: c.1249C>T on transcript NM_001182.5 (MANE Select); coding-DNA position 1249, C replaced by T.
Protein change: p.Leu417Phe; replaces leucine 417 with phenylalanine.
Molecular consequence: missense variant.
Genome position (GRCh38, 1-based): chr5:126,552,089, G>A on the plus strand (C>T on the coding strand, the complement: ALDH7A1 is on the minus strand). VCF-style: chr5-126552089-G-A. GRCh37 (hg19) VCF-style: chr5-125887781-G-A.
Other names: c.1165C>T, p.Leu389Phe (NM_001201377.2); c.1057C>T, p.Leu353Phe (NM_001202404.2); short protein forms L353F, L389F, L417F.
Identifiers: ClinVar variation 1368076 (VCV001368076.5), dbSNP rs1318876453, ClinGen allele CA360723202.